The following is an entry in ClinVar:

NM_016239.4(MYO15A):c.790C>A (p.Leu264Ile)

Gene: MYO15A (myosin XVA; plus strand). Cytogenetic location: 17p11.2.
Variant type: single nucleotide variant.
Coding change: c.790C>A on transcript NM_016239.4 (MANE Select); coding-DNA position 790, C replaced by A.
Protein change: p.Leu264Ile; replaces leucine 264 with isoleucine.
Molecular consequence: missense variant.
Genome position (GRCh38, 1-based): chr17:18,119,590, C>A. VCF-style: chr17-18119590-C-A. GRCh37 (hg19) VCF-style: chr17-18022904-C-A.
Other names: short protein forms L264I.
Identifiers: ClinVar variation 429944 (VCV000429944.2), dbSNP rs1131691688, ClinGen allele CA398575878.
Genomic context (GRCh38, chr17:18,119,590, plus strand): 5'-GACTACTACGACCGGCAGTCACTCCACCGCTACGAGGAGCAGGAACCCTACCTGGCGGGC[C>A]TCGGCCCCTACAGCCCGGCCTGGCCACCCTACGGCGACCACTACTACGGGTACCCGCCCG-3'
Protein context (NP_057323.3, residues 254-274): YEEQEPYLAG[Leu264Ile]GPYSPAWPPY

ClinVar aggregate classification (germline): Uncertain significance (1 of 4 stars; one submission).

Submission:

GeneDx
Classification: Uncertain significance. Last evaluated: 2018-11-12. Review status: criteria provided, single submitter. Criteria: GeneDx Variant Classification (06012015). Collection method: clinical testing. Allele origin: germline. Affected: yes.
Comment: The L264I variant in the MYO15A gene has not been reported previously as a pathogenic variant, nor as a benign variant, to our knowledge. The L264I variant is not observed in large population cohorts (Lek et al., 2016; 1000 Genomes Consortium et al., 2015; Exome Variant Server). The L264I variant is a conservative amino acid substitution, which is not likely to impact secondary protein structure as these residues share similar properties. This substitution occurs at a position that is not conserved. In silico analysis is inconsistent in its predictions as to whether or not the variant is damaging to the protein structure/function. We interpret L264I as a variant of uncertain significance.